The following is an entry in ClinVar:

NM_002693.3(POLG):c.548A>G (p.Glu183Gly)

Genes: POLG (DNA polymerase gamma, catalytic subunit; minus strand), POLGARF (POLG alternative reading frame; minus strand). Cytogenetic location: 15q26.1.
Variant type: single nucleotide variant.
Coding change: c.548A>G on transcript NM_002693.3 (MANE Select); coding-DNA position 548, A replaced by G.
Protein change: p.Glu183Gly; replaces glutamic acid 183 with glycine.
Molecular consequence: missense variant. On other transcripts: synonymous variant (1).
Genome position (GRCh38, 1-based): chr15:89,333,207, T>C on the plus strand (A>G on the coding strand, the complement: POLG is on the minus strand). VCF-style: chr15-89333207-T-C. GRCh37 (hg19) VCF-style: chr15-89876438-T-C.
Other names: c.603A>G, p.Gly201= (NM_001430120.1); c.548A>G, p.Glu183Gly (NM_001126131.2); short protein forms E183G.
Identifiers: ClinVar variation 4077249 (VCV004077249.3).
Genomic context (GRCh38, chr15:89,333,207, plus strand): 5'-AAGCAGACCTCCACGTCGAACACCAGGGCCCGCTCCTCGGGGATGGCCACGGGTACGGCC[T>C]CCCCCTCGGGGCCGTACCGGGTCCAGCCCTCCGCCCAGGCCCAAGCCGGGGGCTTCGGGG-3'
Protein context (NP_002684.1, residues 173-193): EGWTRYGPEG[Glu183Gly]AVPVAIPEER

ClinVar aggregate classification (germline): Uncertain significance. Review status: criteria provided, multiple submitters, no conflicts (2 of 4 stars). 2 submissions from 2 submitters: Uncertain significance (2). Last evaluated 2026-02-18.

gnomAD v4.1: 15 of 1,573,246 alleles (0.00095%); highest among the groups gnomAD compares: African/African-American, 0.0041%; no homozygotes.

Submissions (2):

GeneDx
Classification: Uncertain significance. Last evaluated: 2026-02-18. Review status: criteria provided, single submitter. Criteria: GeneDx Variant Classification Process June 2021. Collection method: clinical testing. Allele origin: germline.
Comment: Has not been previously published as pathogenic or benign to our knowledge; Not observed at significant frequency in large population cohorts (gnomAD); In silico analysis suggests that this missense variant does not alter protein structure/function

Blueprint Genetics
Classification: Uncertain significance. Last evaluated: 2024-11-27. Review status: criteria provided, single submitter. Criteria: ACMG Guidelines, 2015. Collection method: clinical testing. Allele origin: germline.